The following is an entry in ClinVar:

NM_004168.4(SDHA):c.1459A>G (p.Asn487Asp)

Gene: SDHA (succinate dehydrogenase complex flavoprotein subunit A; plus strand). Cytogenetic location: 5p15.33.
Variant type: single nucleotide variant.
Coding change: c.1459A>G on transcript NM_004168.4 (MANE Select); coding-DNA position 1459, A replaced by G.
Protein change: p.Asn487Asp; replaces asparagine 487 with aspartic acid.
Molecular consequence: missense variant.
Genome position (GRCh38, 1-based): chr5:240,384, A>G. VCF-style: chr5-240384-A-G. GRCh37 (hg19) VCF-style: chr5-240499-A-G.
Other names: c.1315A>G, p.Asn439Asp (NM_001294332.2); c.1459A>G, p.Asn487Asp (NM_001330758.2); short protein forms N487D, N439D.
Identifiers: ClinVar variation 5029186 (VCV005029186.1).

ClinVar aggregate classification (germline): Uncertain significance (1 of 4 stars; one submission).

Conditions:
Hereditary cancer-predisposing syndrome. Also called: Neoplastic Syndromes, Hereditary; Tumor predisposition; Hereditary neoplastic syndrome; Hereditary Cancer Syndrome. Identifiers: Orphanet 140162, MedGen C0027672, MeSH D009386, MONDO:0015356.

Submission:

Ambry Genetics
Classification: Uncertain significance for Hereditary cancer-predisposing syndrome. Last evaluated: 2026-07-06. Review status: criteria provided, single submitter. Criteria: Ambry Variant Classification Scheme 2023. Collection method: clinical testing. Allele origin: germline.
Comment: The p.N487D variant (also known as c.1459A>G), located in coding exon 11 of the SDHA gene, results from an A to G substitution at nucleotide position 1459. The asparagine at codon 487 is replaced by aspartic acid, an amino acid with highly similar properties. This amino acid position is conserved. In addition, this alteration is predicted to be tolerated by in silico analysis. Based on the available evidence, the clinical significance of this variant remains unclear.